The following is an entry in ClinVar:

NM_006017.3(PROM1):c.1388A>G (p.Tyr463Cys)

Gene: PROM1 (prominin 1; minus strand). Cytogenetic location: 4p15.32.
Variant type: single nucleotide variant.
Coding change: c.1388A>G on transcript NM_006017.3 (MANE Select); coding-DNA position 1388, A replaced by G.
Protein change: p.Tyr463Cys; replaces tyrosine 463 with cysteine.
Molecular consequence: missense variant.
Genome position (GRCh38, 1-based): chr4:16,006,604, T>C on the plus strand (A>G on the coding strand, the complement: PROM1 is on the minus strand). VCF-style: chr4-16006604-T-C. GRCh37 (hg19) VCF-style: chr4-16008227-T-C.
Other names: c.1361A>G, p.Tyr454Cys (NM_001145847.2, NM_001145848.2, NM_001145851.2 and 4 more transcripts); c.1388A>G, p.Tyr463Cys (NM_001145849.2, NM_001145850.2); short protein forms Y454C, Y463C.
Identifiers: ClinVar variation 2911211 (VCV002911211.22), dbSNP rs750407798, ClinGen allele CA2866784.

ClinVar aggregate classification (germline): Uncertain significance. Review status: criteria provided, multiple submitters, no conflicts (2 of 4 stars). 3 submissions from 3 submitters: Uncertain significance (3). Last evaluated 2024-06-01.

Allele frequency attached by ClinVar (database versions not stated): gnomAD exomes below 0.00001; gnomAD 0.00001; TOPMed 0.00001; ExAC 0.00003.

Submissions (3):

CeGaT Center for Human Genetics Tuebingen
Classification: Uncertain significance. Last evaluated: 2024-06-01. Review status: criteria provided, single submitter. Criteria: CeGaT Center For Human Genetics Tuebingen Variant Classification Criteria Version 2. Collection method: clinical testing. Allele origin: germline. Affected: yes. Observed: 1 variant allele.
Comment: PROM1: PM2:Supporting, BP4

Labcorp Genetics (formerly Invitae), Labcorp
Classification: Uncertain significance. Last evaluated: 2023-11-04. Review status: criteria provided, single submitter. Criteria: Invitae Variant Classification Sherloc (09022015). Collection method: clinical testing. Allele origin: germline.
Comment: This sequence change replaces tyrosine, which is neutral and polar, with cysteine, which is neutral and slightly polar, at codon 463 of the PROM1 protein (p.Tyr463Cys). This variant is present in population databases (rs750407798, gnomAD 0.004%). This variant has not been reported in the literature in individuals affected with PROM1-related conditions. Advanced modeling of protein sequence and biophysical properties (such as structural, functional, and spatial information, amino acid conservation, physicochemical variation, residue mobility, and thermodynamic stability) performed at Invitae indicates that this missense variant is expected to disrupt PROM1 protein function with a positive predictive value of 80%. In summary, the available evidence is currently insufficient to determine the role of this variant in disease. Therefore, it has been classified as a Variant of Uncertain Significance.

Blueprint Genetics
Classification: Uncertain significance. Last evaluated: 2022-03-03. Review status: criteria provided, single submitter. Criteria: ACMG Guidelines, 2015. Collection method: clinical testing. Allele origin: germline.